The following is an entry in ClinVar:

NM_001040108.2(MLH3):c.1223C>T (p.Ser408Leu)

Gene: MLH3 (mutL homolog 3; minus strand). Cytogenetic location: 14q24.3.
Variant type: single nucleotide variant.
Coding change: c.1223C>T on transcript NM_001040108.2 (MANE Select); coding-DNA position 1223, C replaced by T.
Protein change: p.Ser408Leu; replaces serine 408 with leucine.
Molecular consequence: missense variant.
Genome position (GRCh38, 1-based): chr14:75,048,433, G>A on the plus strand (C>T on the coding strand, the complement: MLH3 is on the minus strand). VCF-style: chr14-75048433-G-A. GRCh37 (hg19) VCF-style: chr14-75515136-G-A.
Other names: c.1223C>T, p.Ser408Leu (NM_014381.3); short protein forms S408L.
Identifiers: ClinVar variation 1428642 (VCV001428642.6), dbSNP rs745988563, ClinGen allele CA390446945.

ClinVar aggregate classification (germline): Uncertain significance (1 of 4 stars; one submission).

Conditions:
Colorectal cancer, hereditary nonpolyposis, type 7. Identifiers: Orphanet 144, MedGen C1858380, MONDO:0013725, OMIM 614385.

Submission:

Labcorp Genetics (formerly Invitae), Labcorp
Classification: Uncertain significance for Colorectal cancer, hereditary nonpolyposis, type 7. Last evaluated: 2021-12-05. Review status: criteria provided, single submitter. Criteria: Invitae Variant Classification Sherloc (09022015). Collection method: clinical testing. Allele origin: germline.
Comment: This sequence change replaces serine, which is neutral and polar, with leucine, which is neutral and non-polar, at codon 408 of the MLH3 protein (p.Ser408Leu). In summary, the available evidence is currently insufficient to determine the role of this variant in disease. Therefore, it has been classified as a Variant of Uncertain Significance. Algorithms developed to predict the effect of missense changes on protein structure and function are either unavailable or do not agree on the potential impact of this missense change (SIFT: "Deleterious"; PolyPhen-2: "Probably Damaging"; Align-GVGD: "Class C0"). This variant has not been reported in the literature in individuals affected with MLH3-related conditions. This variant is not present in population databases (gnomAD no frequency).